The following is an entry in ClinVar:

NM_002474.3(MYH11):c.4191C>G (p.Phe1397Leu)

Genes: NDE1 (nudE neurodevelopment protein 1; plus strand), MYH11 (myosin heavy chain 11; minus strand). Cytogenetic location: 16p13.11.
Variant type: single nucleotide variant.
Coding change: c.4191C>G on transcript NM_002474.3 (MANE Select); coding-DNA position 4191, C replaced by G.
Protein change: p.Phe1397Leu; replaces phenylalanine 1397 with leucine.
Molecular consequence: missense variant. On other transcripts: 3 prime UTR variant (2).
Genome position (GRCh38, 1-based): chr16:15,724,335, G>C on the plus strand (C>G on the coding strand, the complement: MYH11 is on the minus strand). VCF-style: chr16-15724335-G-C. GRCh37 (hg19) VCF-style: chr16-15818192-G-C.
Other names: c.4212C>G, p.Phe1404Leu (NM_001040113.2, NM_001040114.2); c.4191C>G, p.Phe1397Leu (NM_022844.3); c.*84G>C (NM_001143979.2, NM_017668.3); short protein forms F1397L, F1404L.
Identifiers: ClinVar variation 3387183 (VCV003387183.1).

ClinVar aggregate classification (germline): Uncertain significance (1 of 4 stars; one submission).

Conditions:
Familial thoracic aortic aneurysm and aortic dissection (TAAD). Also called: Thoracic aortic aneurysms and dissections. Identifiers: Orphanet 91387, MedGen C4707243, MONDO:0019625.

Submission:

All of Us Research Program, National Institutes of Health
Classification: Uncertain significance for Familial thoracic aortic aneurysm and aortic dissection. Last evaluated: 2024-07-20. Review status: criteria provided, single submitter. Criteria: ACMG Guidelines, 2015. Collection method: clinical testing. Allele origin: germline. Inheritance: Autosomal dominant inheritance. Observed: 1 variant allele, 1 heterozygote.
Comment: This missense variant replaces phenylalanine with leucine at codon 1404 of the MYH11 protein. Computational prediction suggests that this variant may not impact protein structure and function (internally defined REVEL score threshold <= 0.5, PMID: 27666373). To our knowledge, functional studies have not been reported for this variant. This variant has not been reported in individuals affected with MYH11-related disorders in the literature. This variant has not been identified in the general population by the Genome Aggregation Database (gnomAD). The available evidence is insufficient to determine the role of this variant in disease conclusively. Therefore, this variant is classified as a Variant of Uncertain Significance.

This study involves interpretation of variants in research participants for the purpose of population health screening. Participant phenotype was not available at the time of variant classification. Additional details can be found in publication PMID: 35346344, PMCID: PMC8962531